The following is an entry in ClinVar:

NM_004360.5(CDH1):c.1003C>T (p.Arg335Ter)

Gene: CDH1 (cadherin 1; plus strand). Cytogenetic location: 16q22.1.
Variant type: single nucleotide variant.
Coding change: c.1003C>T on transcript NM_004360.5 (MANE Select); coding-DNA position 1003, C replaced by T.
Protein change: p.Arg335Ter; replaces arginine 335 with a stop codon.
Molecular consequence: nonsense. On other transcripts: 5 prime UTR variant (2).
Genome position (GRCh38, 1-based): chr16:68,811,854, C>T. VCF-style: chr16-68811854-C-T. GRCh37 (hg19) VCF-style: chr16-68845757-C-T.
Other names: NM_004360.4(CDH1):c.1003C>T; c.1003C>T, p.Arg335Ter (NM_001317184.2); c.-613C>T (NM_001317185.2); c.-817C>T (NM_001317186.2); c.1003C>T (LRG_301t1); short protein forms R335*.
Identifiers: ClinVar variation 136055 (VCV000136055.47), dbSNP rs587780784, ClinGen allele CA166866.

ClinVar aggregate classification (germline): Pathogenic. Review status: reviewed by expert panel (3 of 4 stars). 16 submissions from 16 submitters: Pathogenic (1). 15 of the submissions do not count toward it. Last evaluated 2023-08-29.

Conditions:
Familial cancer of breast. Also called: BREAST CANCER, FAMILIAL; hereditary breast carcinoma; Hereditary breast cancer. Identifiers: Orphanet 227535, MedGen C0346153, MONDO:0016419, OMIM 114480. Disease mechanism: loss of function.
Hereditary diffuse gastric adenocarcinoma (HDGC). Also called: DIFFUSE GASTRIC AND LOBULAR BREAST CANCER SYNDROME. Identifiers: Orphanet 26106, MedGen C1708349, MONDO:0007648, OMIM 137215.
Ovarian neoplasm. Also called: Neoplasm of ovary; Ovarian tumor; Ovarian Neoplasms. Identifiers: MedGen C0919267, MeSH D010051, MONDO:0021068, HP:0100615.
Prostate cancer. Also called: Malignant tumor of prostate. Identifiers: Orphanet 1331, MedGen C0376358, MONDO:0008315, HP:0012125.
Blepharocheilodontic syndrome 1 (BCDS1). Identifiers: Orphanet 1997, MedGen C4551988, MONDO:0054740, OMIM 119580.
Endometrial carcinoma. Also called: Endometrial carcinoma, somatic. Identifiers: MedGen C0476089, MONDO:0002447, OMIM 608089, HP:0012114.
Ovarian cancer. Also called: OVARIAN CANCER, SOMATIC. Identifiers: Orphanet 213500, MedGen C1140680, MONDO:0008170, OMIM 167000.
Familial prostate cancer. Also called: Hereditary Prostate Cancer. Identifiers: MedGen C2931456, MONDO:0700275, OMIM 176807.
CDH1-related diffuse gastric and lobular breast cancer syndrome. Also called: CDH1-related diffuse gastric and lobular breast cancer. Identifiers: MedGen CN311521, MONDO:0100488.
Gastric cancer. Also called: Malignant tumor of stomach; Stomach cancer. Identifiers: MedGen C0024623, MeSH D013274, MONDO:0001056, OMIM 613659, HP:0012126.
Hereditary cancer-predisposing syndrome. Also called: Neoplastic Syndromes, Hereditary; Hereditary neoplastic syndrome; Hereditary Cancer Syndrome; Tumor predisposition. Identifiers: Orphanet 140162, MedGen C0027672, MeSH D009386, MONDO:0015356.

Allele frequency attached by ClinVar (database versions not stated): gnomAD 0.00001.
gnomAD v4.1: 4 of 1,613,932 alleles (0.00025%); highest among the groups gnomAD compares: South Asian, 0.0011%; no homozygotes.

Submissions 1 to 10 of 16:

Clingen Gastric Cancer Variant Curation Expert Panel
Classification: Pathogenic for CDH1-related diffuse gastric and lobular breast cancer syndrome. Last evaluated: 2023-08-29. Review status: reviewed by expert panel. Criteria: ClinGen CDH1 ACMG Specifications V3.1. Collection method: curation. Allele origin: germline. Inheritance: Autosomal dominant inheritance.
Comment: The c.1003C>T (p.Arg335*) variant is predicted to result in a premature stop codon that leads to a truncated or absent protein (PVS1, PM5_Supporting). This variant was found to co-segregate with disease in multiple affected family members, with >7 meioses observed across at least two families (PP1_Strong; PMID: 16061854, 22723466, 17522512). In summary, this variant meets criteria to be classified as pathogenic based on the ACMG/AMP criteria applied as specified by the CDH1 Variant Curation Expert Panel (Variant Interpretation Guidelines Version 3.1): PVS1, PP1_Strong, PM5_Supporting.

CeGaT Center for Human Genetics Tuebingen
Classification: Pathogenic. Last evaluated: 2026-07-01. Review status: criteria provided, single submitter. Criteria: CeGaT Center For Human Genetics Tuebingen Variant Classification Criteria Version 2. Collection method: clinical testing. Allele origin: germline. Affected: yes. Observed: 1 variant allele. Not counted in ClinVar's aggregate classification.
Comment: CDH1: PVS1, PP1:Strong, PS4:Moderate, PM2:Supporting

Labcorp Genetics (formerly Invitae), Labcorp
Classification: Pathogenic for Hereditary diffuse gastric adenocarcinoma. Last evaluated: 2025-08-20. Review status: criteria provided, single submitter. Criteria: Invitae Variant Classification Sherloc (09022015). Collection method: clinical testing. Allele origin: germline. Not counted in ClinVar's aggregate classification.
Comment: This sequence change creates a premature translational stop signal (p.Arg335*) in the CDH1 gene. It is expected to result in an absent or disrupted protein product. Loss-of-function variants in CDH1 are known to be pathogenic (PMID: 15235021, 20373070). This variant is present in population databases (rs587780784, gnomAD 0.003%). This premature translational stop signal has been observed in individual(s) with diffuse gastric cancer (PMID: 11948460, 16061854, 17522512, 18442100, 20719348, 22723466, 26072394). It has also been observed to segregate with disease in related individuals. ClinVar contains an entry for this variant (Variation ID: 136055). For these reasons, this variant has been classified as Pathogenic.

Dasa
Classification: Pathogenic. Last evaluated: 2025-04-14. Review status: criteria provided, single submitter. Criteria: DASA Assertion Criteria. Collection method: clinical testing. Allele origin: germline. Not counted in ClinVar's aggregate classification.
Comment: NM_004360.5(CDH1):c.1003C>T (p.Arg335*) introduces a premature termination codon predicted to result in loss of normal protein function. Loss-of-function is an established mechanism of disease for this gene. The affected residue or protein region has prior evidence supporting clinical relevance. Segregation evidence has been reported in affected families. This variant has been recurrently observed in individuals with related phenotype (PMID: 16061854; PMID: 11948460; PMID: 32758476). The variant is present at low frequency in population datasets. Based on the available data, this variant is classified as pathogenic.

Color Diagnostics, LLC DBA Color Health
Classification: Pathogenic for Hereditary cancer-predisposing syndrome. Last evaluated: 2024-03-25. Review status: criteria provided, single submitter. Criteria: ACMG Guidelines, 2015. Collection method: clinical testing. Allele origin: germline. Not counted in ClinVar's aggregate classification.
Comment: This variant changes 1 nucleotide in exon 7 of the CDH1 gene, creating a premature translation stop signal. This variant is expected to result in an absent or non-functional protein product. This variant has been reported in individuals affected with hereditary diffuse gastric cancer (PMID: 11948460, 16061854, 17522512, 18442100, 19269290, 20719348, 21424370*, 22723466, 23264079, 26072394, 28688938). It has been shown that this variant co-segregated with hereditary diffuse gastric cancer in multiple unrelated families (PMID: 16061854, 17522512, 22723466). This variant has been identified in 3/282628 chromosomes in the general population by the Genome Aggregation Database (gnomAD). Loss of CDH1 function is a known mechanism of disease. Based on the available evidence, this variant is classified as Pathogenic.

Ambry Genetics
Classification: Pathogenic for Hereditary cancer-predisposing syndrome. Last evaluated: 2023-09-20. Review status: criteria provided, single submitter. Criteria: Ambry Variant Classification Scheme 2023. Collection method: clinical testing. Allele origin: germline. Not counted in ClinVar's aggregate classification.
Comment: The p.R335* pathogenic mutation (also known as c.1003C>T), located in coding exon 7 of the CDH1 gene, results from a C to T substitution at nucleotide position 1003. This changes the amino acid from an arginine to a stop codon within coding exon 7. This mutation has been reported in multiple individuals/ families with hereditary diffuse gastric cancer syndrome (Jonsson BA et al. Int J. Cancer 2002;98:838-843; Suriano G et al. Clin. Can. Res. 2005;11(15):5401-5409; Norton JA et al. Annals of Surgery 2007 Jun;245(6):873-879; Chen Y et al. Ann. Surg. Oncol. 2011 Sep;18:2594-8; Kim S et al. Fam. Cancer 2013 Sep;12(3):503-7; van der Post RS et al. Gastroenterology 2015 Oct;149(4):897-906.e19; Slavin T et al. Cancer Genet. 2017 Oct;216-217:111-119; Ambry internal data). In addition to the clinical data presented in the literature, this alteration is expected to result in loss of function by premature protein truncation or nonsense-mediated mRNA decay. As such, this alteration is interpreted as a disease-causing mutation.

Myriad Genetics, Inc.
Classification: Pathogenic for Hereditary diffuse gastric adenocarcinoma. Last evaluated: 2023-06-12. Review status: criteria provided, single submitter. Criteria: Myriad Autosomal Dominant, Autosomal Recessive and X-Linked Classification Criteria (2023). Collection method: clinical testing. Allele origin: unknown. Not counted in ClinVar's aggregate classification.
Comment: This variant is considered pathogenic. This variant creates a termination codon and is predicted to result in premature protein truncation.

European Reference Network on Genetic Tumour Risk Syndromes (ERN-GENTURIS), i3s - Instituto de Investigação e Inovação em Saúde, University of Porto
Classification: Pathogenic for Hereditary diffuse gastric adenocarcinoma. Last evaluated: 2022-08-01. Review status: criteria provided, single submitter. Criteria: Lee et al. (Hum Mutat. 2018). Collection method: clinical testing. Allele origin: germline. Inheritance: Autosomal dominant inheritance. Affected: yes. Study: ERN GENTURIS. Not counted in ClinVar's aggregate classification.
Comment: PVS1; PS4; PP1_Strong (PMID: 30311375)

Fulgent Genetics
Classification: Pathogenic for Familial cancer of breast; Blepharocheilodontic syndrome 1; Hereditary diffuse gastric adenocarcinoma; Ovarian cancer; Familial prostate cancer; Endometrial carcinoma. Last evaluated: 2022-05-10. Review status: criteria provided, single submitter. Criteria: ACMG Guidelines, 2015. Collection method: clinical testing. Allele origin: unknown. Not counted in ClinVar's aggregate classification.

Quest Diagnostics Nichols Institute San Juan Capistrano
Classification: Pathogenic. Last evaluated: 2021-08-10. Review status: criteria provided, single submitter. Criteria: Quest Diagnostics criteria. Collection method: clinical testing. Allele origin: unknown. Not counted in ClinVar's aggregate classification.
Comment: This nonsense variant causes the premature termination of CDH1 protein synthesis. In addition, it has been described in individuals and/or families with hereditary diffuse gastric cancer (PMID: 31589614 (2019), 31514334 (2019), 29025585 (2017), 26072394 (2015), 22723466 (2013), 21424370 (2011), 20719348 (2011), 20373070 (2010)). Based on the available information, this variant is classified as pathogenic.